The following is an entry in ClinVar:

ClinVar aggregate classification (germline): Likely pathogenic. Review status: criteria provided, multiple submitters, no conflicts (2 of 4 stars). 2 submissions from 2 submitters: Likely pathogenic (2). Last evaluated 2024-07-31.

Conditions:
STX1B-related disorder. Also called: STX1B-related condition.
Generalized epilepsy with febrile seizures plus, type 9 (GEFSP9). Also called: GEFS+, TYPE 9. Identifiers: Orphanet 36387, MedGen C4015395, MONDO:0014517, OMIM 616172.

Submissions (2):

Blueprint Genetics
Classification: Likely pathogenic for STX1B-related disorders. Last evaluated: 2024-07-31. Review status: criteria provided, single submitter. Criteria: ACMG Guidelines, 2015. Collection method: clinical testing. Allele origin: germline. Affected: yes. Observed: 1 variant allele.

Labcorp Genetics (formerly Invitae), Labcorp
Classification: Likely pathogenic for Generalized epilepsy with febrile seizures plus, type 9. Last evaluated: 2023-02-08. Review status: criteria provided, single submitter. Criteria: Invitae Variant Classification Sherloc (09022015). Collection method: clinical testing. Allele origin: germline.
Comment: This sequence change affects a donor splice site in intron 1 of the STX1B gene. It is expected to disrupt RNA splicing. Variants that disrupt the donor or acceptor splice site typically lead to a loss of protein function (PMID: 16199547), and loss-of-function variants in STX1B are known to be pathogenic (PMID: 25362483). This variant is not present in population databases (gnomAD no frequency). This variant has not been reported in the literature in individuals affected with STX1B-related conditions. Algorithms developed to predict the effect of sequence changes on RNA splicing suggest that this variant may disrupt the consensus splice site. In summary, the currently available evidence indicates that the variant is pathogenic, but additional data are needed to prove that conclusively. Therefore, this variant has been classified as Likely Pathogenic.

Literature cited by the submitters: PubMed 16199547 (cited by Labcorp Genetics (formerly Invitae), Labcorp); PubMed 25362483 (cited by Labcorp Genetics (formerly Invitae), Labcorp).

NM_052874.5(STX1B):c.30+1G>A

Gene: STX1B (syntaxin 1B; minus strand). Cytogenetic location: 16p11.2.
Variant type: single nucleotide variant.
Coding change: c.30+1G>A on transcript NM_052874.5 (MANE Select); the canonical splice donor site of the intron after coding-DNA position 30, G replaced by A.
Molecular consequence: splice donor variant.
Genome position (GRCh38, 1-based): chr16:31,010,366, C>T on the plus strand (G>A on the coding strand, the complement: STX1B is on the minus strand). VCF-style: chr16-31010366-C-T. GRCh37 (hg19) VCF-style: chr16-31021687-C-T.
Identifiers: ClinVar variation 2835625 (VCV002835625.4), dbSNP rs2543975472, ClinGen allele CA395653987.
Genomic context (GRCh38, chr16:31,010,366, plus strand): 5'-CCCCACGCGCTCCCCCAATATTGGGGTCCCGCCCCCCCATTCTCCCCACCCCCAAGCTCA[C>T]ACTCCGCAGCTCTTGAGTCCGATCCTTCATCCTGCGACGGCTCCTCCTCCTCCTCCTAGT-3'